The following is an entry in ClinVar:

ClinVar aggregate classification (germline): Uncertain significance (1 of 4 stars; one submission).

Conditions:
CHARGE syndrome (CHARGE). Also called: Hittner Hirsch Kreh syndrome; CHARGE ASSOCIATION--COLOBOMA, HEART ANOMALY, CHOANAL ATRESIA, RETARDATION, GENITAL AND EAR ANOMALIES; Coloboma, heart anomaly, choanal atresia, retardation, genital and ear anomalies; CHARGE association; Hall-Hittner syndrome. Identifiers: Orphanet 138, MedGen C0265354, MONDO:0008965.

Allele frequency attached by ClinVar (database versions not stated): TOPMed below 0.00001; gnomAD 0.00001.
gnomAD v4.1: 2 of 1,609,836 alleles (0.00012%); highest among the groups gnomAD compares: Non-Finnish European, 0.00017%; no homozygotes.

Submission:

Labcorp Genetics (formerly Invitae), Labcorp
Classification: Uncertain significance for CHARGE syndrome. Last evaluated: 2023-01-16. Review status: criteria provided, single submitter. Criteria: Invitae Variant Classification Sherloc (09022015). Collection method: clinical testing. Allele origin: germline.
Comment: This sequence change replaces glycine, which is neutral and non-polar, with arginine, which is basic and polar, at codon 2711 of the CHD7 protein (p.Gly2711Arg). The frequency data for this variant in the population databases is considered unreliable, as metrics indicate poor data quality at this position in the gnomAD database. This variant has not been reported in the literature in individuals affected with CHD7-related conditions. Advanced modeling of protein sequence and biophysical properties (such as structural, functional, and spatial information, amino acid conservation, physicochemical variation, residue mobility, and thermodynamic stability) performed at Invitae indicates that this missense variant is not expected to disrupt CHD7 protein function. In summary, the available evidence is currently insufficient to determine the role of this variant in disease. Therefore, it has been classified as a Variant of Uncertain Significance.

NM_017780.4(CHD7):c.8131G>A (p.Gly2711Arg)

Gene: CHD7 (chromodomain helicase DNA binding protein 7; plus strand). Cytogenetic location: 8q12.2.
Variant type: single nucleotide variant.
Coding change: c.8131G>A on transcript NM_017780.4 (MANE Select); coding-DNA position 8131, G replaced by A.
Protein change: p.Gly2711Arg; replaces glycine 2711 with arginine.
Molecular consequence: missense variant.
Genome position (GRCh38, 1-based): chr8:60,865,070, G>A. VCF-style: chr8-60865070-G-A. GRCh37 (hg19) VCF-style: chr8-61777629-G-A.
Other names: c.1984G>A, p.Gly662Arg (NM_001316690.1); short protein forms G2711R, G662R.
Identifiers: ClinVar variation 2737494 (VCV002737494.3), dbSNP rs1418830724, ClinGen allele CA371307313.
Genomic context (GRCh38, chr8:60,865,070, plus strand): 5'-CTCCAGGGTTTTGTTCCTGAGTCGATGTTTGACCGCCTTCTCACTGGGCCTGTAGTGCGG[G>A]GAGAGGGAGCGAGCAGAAGAGGAAGAAGGCCCAAAAGTGAGATCGCCAGAGCAGCCGCGG-3'
Protein context (NP_060250.2, residues 2701-2721): DRLLTGPVVR[Gly2711Arg]EGASRRGRRP